The following is an entry in ClinVar:

NM_004525.3(LRP2):c.13134C>G (p.Pro4378=)

Gene: LRP2 (LDL receptor related protein 2; minus strand). Cytogenetic location: 2q31.1.
Variant type: single nucleotide variant.
Coding change: c.13134C>G on transcript NM_004525.3 (MANE Select); coding-DNA position 13134, C replaced by G.
Protein change: p.Pro4378=; no amino-acid change (proline 4378 retained).
Molecular consequence: synonymous variant.
Genome position (GRCh38, 1-based): chr2:169,140,520, G>C on the plus strand (C>G on the coding strand, the complement: LRP2 is on the minus strand). VCF-style: chr2-169140520-G-C. GRCh37 (hg19) VCF-style: chr2-169997030-G-C.
Identifiers: ClinVar variation 129503 (VCV000129503.22), dbSNP rs73970129, ClinGen allele CA153554.
Genomic context (GRCh38, chr2:169,140,520, plus strand): 5'-TTTGGGGAGGTCAGTCTCATCAAAATAGCAATTTCCTCCGTGCATGCACCTGCATGGGGG[G>C]GGCAGGTTGATAGGCAGTTCGATGGCTGCAGGAAGGGAAAGCCATGCAGGTGTTAGTCAG-3'
Protein context (NP_004516.2, residues 4368-4388): DAAIELPINL[Pro4378=]PPCRCMHGGN

ClinVar aggregate classification (germline): Benign/Likely benign. Review status: criteria provided, multiple submitters, no conflicts (2 of 4 stars). 6 submissions from 6 submitters: Benign (3); Likely benign (2). 1 of the submissions does not count toward it. Last evaluated 2026-01-31.

Conditions:
Donnai-Barrow syndrome. Also called: DBS/FOAR SYNDROME; FACIOOCULOACOUSTICORENAL SYNDROME. Identifiers: Orphanet 2143, MedGen C1857277, MONDO:0009104, OMIM 222448.

Allele frequency attached by ClinVar (database versions not stated): gnomAD exomes 0.00250; ExAC 0.00312; gnomAD 0.00988 and 0.01063; 1000 Genomes Project 0.01038; TOPMed 0.01039; ESP Exome Variant Server 0.01107; 1000 Genomes Project 30x 0.01218.
gnomAD v4.1: 2,906 of 1,613,898 alleles (0.18%); highest among the groups gnomAD compares: African/African-American, 3.4%; 51 homozygotes.

Submissions (6):

Labcorp Genetics (formerly Invitae), Labcorp
Classification: Benign. Last evaluated: 2026-01-31. Review status: criteria provided, single submitter. Criteria: Invitae Variant Classification Sherloc (09022015). Collection method: clinical testing. Allele origin: germline.

Fulgent Genetics
Classification: Benign for Donnai-Barrow syndrome. Last evaluated: 2021-07-22. Review status: criteria provided, single submitter. Criteria: ACMG Guidelines, 2015. Collection method: clinical testing. Allele origin: unknown.

Genome-Nilou Lab
Classification: Benign for Donnai-Barrow syndrome. Last evaluated: 2021-07-15. Review status: criteria provided, single submitter. Criteria: ACMG Guidelines, 2015. Collection method: clinical testing. Allele origin: germline. Affected: no.

Illumina Laboratory Services, Illumina
Classification: Likely benign for Donnai-Barrow syndrome. Last evaluated: 2017-04-27. Review status: criteria provided, single submitter. Criteria: ICSL Variant Classification Criteria 13 December 2019. Collection method: clinical testing. Allele origin: germline.
Comment: This variant was observed as part of a predisposition screen in an ostensibly healthy population. A literature search was performed for the gene, cDNA change, and amino acid change (where applicable). No publications were found based on this search. Allele frequency data from public databases allowed determination this variant is unlikely to cause disease. Therefore, this variant is classified as likely benign.

Breakthrough Genomics
Classification: Likely benign. Review status: criteria provided, single submitter. Criteria: ACMG Guidelines, 2015. Collection method: not provided. Allele origin: germline. Inheritance: Autosomal recessive inheritance. Affected: yes.

Genetic Services Laboratory, University of Chicago
Classification: Likely benign for AllHighlyPenetrant. Review status: no assertion criteria provided. Collection method: clinical testing. Allele origin: germline. Inheritance: Autosomal recessive inheritance. Not counted in ClinVar's aggregate classification.
Comment: Likely benign based on allele frequency in 1000 Genomes Project or ESP global frequency and its presence in a patient with a rare or unrelated disease phenotype. NOT Sanger confirmed.